The following is an entry in ClinVar:

ClinVar aggregate classification (germline): Uncertain significance (1 of 4 stars; one submission).

Submission:

Labcorp Genetics (formerly Invitae), Labcorp
Classification: Uncertain significance. Last evaluated: 2022-09-23. Review status: criteria provided, single submitter. Criteria: Invitae Variant Classification Sherloc (09022015). Collection method: clinical testing. Allele origin: germline.
Comment: Algorithms developed to predict the effect of missense changes on protein structure and function output the following: SIFT: "Tolerated"; PolyPhen-2: "Benign"; Align-GVGD: "Class C0". The leucine amino acid residue is found in multiple mammalian species, which suggests that this missense change does not adversely affect protein function. This sequence change replaces arginine, which is basic and polar, with leucine, which is neutral and non-polar, at codon 838 of the ITGAM protein (p.Arg838Leu). This variant is not present in population databases (gnomAD no frequency). This variant has not been reported in the literature in individuals affected with ITGAM-related conditions. In summary, the available evidence is currently insufficient to determine the role of this variant in disease. Therefore, it has been classified as a Variant of Uncertain Significance.

NM_000632.4(ITGAM):c.2513G>T (p.Arg838Leu)

Gene: ITGAM (integrin subunit alpha M; plus strand). Cytogenetic location: 16p11.2.
Variant type: single nucleotide variant.
Coding change: c.2513G>T on transcript NM_000632.4 (MANE Select); coding-DNA position 2513, G replaced by T.
Protein change: p.Arg838Leu; replaces arginine 838 with leucine.
Molecular consequence: missense variant.
Genome position (GRCh38, 1-based): chr16:31,325,507, G>T. VCF-style: chr16-31325507-G-T. GRCh37 (hg19) VCF-style: chr16-31336828-G-T.
Other names: c.2516G>T, p.Arg839Leu (NM_001145808.2); short protein forms R838L, R839L.
Identifiers: ClinVar variation 1719044 (VCV001719044.5), dbSNP rs1475357620, ClinGen allele CA395691819.